The following is an entry in ClinVar:

NM_001278669.2(NFATC1):c.1386+6C>T

Gene: NFATC1 (nuclear factor of activated T cells 1; plus strand). Cytogenetic location: 18q23.
Variant type: single nucleotide variant.
Coding change: c.1386+6C>T on transcript NM_001278669.2 (MANE Select); 6 bases into the intron after coding-DNA position 1386, C replaced by T.
Molecular consequence: intron variant.
Genome position (GRCh38, 1-based): chr18:79,433,744, C>T. VCF-style: chr18-79433744-C-T. GRCh37 (hg19) VCF-style: chr18-77193744-C-T.
Other names: c.1386+6C>T (NM_006162.5, NM_001278670.2, NM_172390.3 and 1 more transcripts); c.-31+6C>T (NM_172388.3, NM_001278673.2); c.1347+6C>T (NM_172387.3, NM_172389.3, NM_001278672.2 and 1 more transcripts).
Identifiers: ClinVar variation 2043919 (VCV002043919.6), dbSNP rs375873739, ClinGen allele CA9009170.

ClinVar aggregate classification (germline): Likely benign. Review status: criteria provided, single submitter (1 of 4 stars). 2 submissions from 2 submitters: Likely benign (1). 1 of the submissions does not count toward it. Last evaluated 2025-04-13.

Conditions:
NFATC1-related disorder. Also called: NFATC1-related condition.

Allele frequency attached by ClinVar (database versions not stated): gnomAD exomes 0.00013; ExAC 0.00044; 1000 Genomes Project 30x 0.00047; 1000 Genomes Project 0.00060; ESP Exome Variant Server 0.00085; gnomAD 0.00159; TOPMed 0.00162.
gnomAD v4.1: 439 of 1,607,360 alleles (0.027%); highest among the groups gnomAD compares: African/African-American, 0.51%; no homozygotes.

Submissions (2):

Labcorp Genetics (formerly Invitae), Labcorp
Classification: Likely benign. Last evaluated: 2025-04-13. Review status: criteria provided, single submitter. Criteria: Invitae Variant Classification Sherloc (09022015). Collection method: clinical testing. Allele origin: germline.

PreventionGenetics, part of Exact Sciences
Classification: Likely benign for NFATC1-related condition. Last evaluated: 2019-09-24. Review status: no assertion criteria provided. Collection method: clinical testing. Allele origin: germline. Not counted in ClinVar's aggregate classification.
Comment: This variant is classified as likely benign based on ACMG/AMP sequence variant interpretation guidelines (Richards et al. 2015 PMID: 25741868, with internal and published modifications).